The following is an entry in ClinVar:

NM_000384.3(APOB):c.8632A>G (p.Asn2878Asp)

Gene: APOB (apolipoprotein B; minus strand). Cytogenetic location: 2p24.1.
Variant type: single nucleotide variant.
Coding change: c.8632A>G on transcript NM_000384.3 (MANE Select); coding-DNA position 8632, A replaced by G.
Protein change: p.Asn2878Asp; replaces asparagine 2878 with aspartic acid.
Molecular consequence: missense variant.
Genome position (GRCh38, 1-based): chr2:21,008,236, T>C on the plus strand (A>G on the coding strand, the complement: APOB is on the minus strand). VCF-style: chr2-21008236-T-C. GRCh37 (hg19) VCF-style: chr2-21231108-T-C.
Other names: short protein forms N2878D.
Identifiers: ClinVar variation 1416877 (VCV001416877.8), dbSNP rs2103354098, ClinGen allele CA345993710.

ClinVar aggregate classification (germline): Uncertain significance (1 of 4 stars; one submission).

Conditions:
Familial hypobetalipoproteinemia 1. Also called: APOB-Related Familial Hypobetalipoproteinemia; Hypobetalipoproteinemia, normotriglyceridemic; Acanthocytosis with hypobetalipoproteinemia. Identifiers: MedGen C4551990, MONDO:0014252, OMIM 615558.
Hypercholesterolemia, autosomal dominant, type B (FHCL2). Also called: Familial Hypercholesterolemia Type B; APOLIPOPROTEIN B-100, FAMILIAL DEFECTIVE; APOLIPOPROTEIN B-100, FAMILIAL LIGAND-DEFECTIVE; HYPERCHOLESTEROLEMIA, FAMILIAL, DUE TO LIGAND-DEFECTIVE APOLIPOPROTEIN B; Familial hypercholesterolemia 2; Hyperlipoproteinemia Type IIb. Identifiers: MedGen C1704417, MONDO:0007751, OMIM 144010.

Submission:

Labcorp Genetics (formerly Invitae), Labcorp
Classification: Uncertain significance for Familial hypobetalipoproteinemia 1; Hypercholesterolemia, autosomal dominant, type B. Last evaluated: 2021-04-27. Review status: criteria provided, single submitter. Criteria: Invitae Variant Classification Sherloc (09022015). Collection method: clinical testing. Allele origin: germline.
Comment: In summary, the available evidence is currently insufficient to determine the role of this variant in disease. Therefore, it has been classified as a Variant of Uncertain Significance. Algorithms developed to predict the effect of missense changes on protein structure and function (SIFT, PolyPhen-2, Align-GVGD) all suggest that this variant is likely to be tolerated, but these predictions have not been confirmed by published functional studies and their clinical significance is uncertain. This variant has not been reported in the literature in individuals with APOB-related conditions. This variant is not present in population databases (ExAC no frequency). This sequence change replaces asparagine with aspartic acid at codon 2878 of the APOB protein (p.Asn2878Asp). The asparagine residue is moderately conserved and there is a small physicochemical difference between asparagine and aspartic acid.